The following is an entry in ClinVar:

ClinVar aggregate classification (germline): Conflicting classifications of pathogenicity. Review status: criteria provided, conflicting classifications (1 of 4 stars). 2 submissions from 2 submitters: Uncertain significance (1); Likely benign (1). Last evaluated 2026-01-06.

Allele frequency attached by ClinVar (database versions not stated): gnomAD 0.00008 and 0.00009; gnomAD exomes 0.00011; TOPMed 0.00011; ExAC 0.00012; ESP Exome Variant Server 0.00015; 1000 Genomes Project 30x 0.00016; 1000 Genomes Project 0.00020.
gnomAD v4.1: 96 of 1,611,536 alleles (0.006%); highest among the groups gnomAD compares: South Asian, 0.055%; 1 homozygote.

Submissions (2):

Labcorp Genetics (formerly Invitae), Labcorp
Classification: Uncertain significance. Last evaluated: 2026-01-06. Review status: criteria provided, single submitter. Criteria: Invitae Variant Classification Sherloc (09022015). Collection method: clinical testing. Allele origin: germline.
Comment: This sequence change affects codon 189 of the RBP4 mRNA. It is a 'silent' change, meaning that it does not change the encoded amino acid sequence of the RBP4 protein. It affects a nucleotide within the consensus splice site. This variant is present in population databases (rs373058806, gnomAD 0.05%). This variant has not been reported in the literature in individuals affected with RBP4-related conditions. ClinVar contains an entry for this variant (Variation ID: 1017235). Algorithms developed to predict the effect of sequence changes on RNA splicing suggest that this variant is not likely to affect RNA splicing. In summary, the available evidence is currently insufficient to determine the role of this variant in disease. Therefore, it has been classified as a Variant of Uncertain Significance.

Blueprint Genetics
Classification: Likely benign. Last evaluated: 2024-06-27. Review status: criteria provided, single submitter. Criteria: ACMG Guidelines, 2015. Collection method: clinical testing. Allele origin: germline.

NM_006744.4(RBP4):c.567C>T (p.Asn189=)

Gene: RBP4 (retinol binding protein 4; minus strand). Cytogenetic location: 10q23.33.
Variant type: single nucleotide variant.
Coding change: c.567C>T on transcript NM_006744.4 (MANE Select); coding-DNA position 567, C replaced by T.
Protein change: p.Asn189=; no amino-acid change (asparagine 189 retained).
Molecular consequence: synonymous variant.
Genome position (GRCh38, 1-based): chr10:93,593,824, G>A on the plus strand (C>T on the coding strand, the complement: RBP4 is on the minus strand). VCF-style: chr10-93593824-G-A. GRCh37 (hg19) VCF-style: chr10-95353581-G-A.
Other names: c.567C>T, p.Asn189= (NM_001323517.1); c.561C>T, p.Asn187= (NM_001323518.2).
Identifiers: ClinVar variation 1017235 (VCV001017235.8), dbSNP rs373058806, ClinGen allele CA5609512.
Genomic context (GRCh38, chr10:93,593,824, plus strand): 5'-CTTAGTCCAAACCCACTGCCCTGCAGGAAGAGCCAGAAGGCACCCTGCTCCTGACTCACC[G>A]TTGTGGACGATCAGCCTGTACTGCCTGGCCAGGCACAGCTCCTCCTGCCGCTGCCTTACA-3'
Protein context (NP_006735.2, residues 179-199): LARQYRLIVH[Asn189=]GYCDGRSERN